The following is an entry in ClinVar:

ClinVar aggregate classification (germline): Uncertain significance. Review status: criteria provided, multiple submitters, no conflicts (2 of 4 stars). 2 submissions from 2 submitters: Uncertain significance (2). Last evaluated 2026-08-23.

Conditions:
ZNF81-related disorder. Also called: ZNF81-related condition.

gnomAD v4.1: 2 of 1,211,097 alleles (0.00017%); highest among the groups gnomAD compares: Admixed American, 0.0044%; no homozygotes.

Submissions (2):

Ambry Genetics
Classification: Uncertain significance. Last evaluated: 2026-08-23. Review status: criteria provided, single submitter. Criteria: Ambry Variant Classification Scheme 2023. Collection method: clinical testing. Allele origin: germline.
Comment: The c.1288A>G (p.R430G) alteration is located in exon 5 (coding exon 4) of the ZNF81 gene. This alteration results from a A to G substitution at nucleotide position 1288, causing the arginine (R) at amino acid position 430 to be replaced by a glycine (G). Based on data from gnomAD, the G allele has an overall frequency of 0.001% (1/181017) total alleles studied. The highest observed frequency was 0.004% (1/27208) of Latino alleles. Based on insufficient or conflicting evidence, the clinical significance of this alteration remains unclear.

Daryl Scott Lab, Baylor College of Medicine
Classification: Uncertain significance for ZNF81-related disorder. Last evaluated: 2024-04-01. Review status: criteria provided, single submitter. Criteria: ACMG Guidelines, 2015. Collection method: clinical testing. Allele origin: unknown. Observed: 1 hemizygote, 1 mosaic individual.
Comment: PP3

NM_007137.5(ZNF81):c.1288A>G (p.Arg430Gly)

Gene: ZNF81 (zinc finger protein 81; plus strand). Cytogenetic location: Xp11.23.
Variant type: single nucleotide variant.
Coding change: c.1288A>G on transcript NM_007137.5 (MANE Select); coding-DNA position 1288, A replaced by G.
Protein change: p.Arg430Gly; replaces arginine 430 with glycine.
Molecular consequence: missense variant. On other transcripts: intron variant (2).
Genome position (GRCh38, 1-based): chrX:47,915,934, A>G. VCF-style: chrX-47915934-A-G. GRCh37 (hg19) VCF-style: chrX-47775333-A-G.
Other names: c.1288A>G, p.Arg430Gly (NM_001378152.1, NM_001378153.1); c.278-7990A>G (NM_001378154.1); c.278-5374A>G (NM_001378155.1); c.1288A>G (NM_007137.3); short protein forms R430G.
Identifiers: ClinVar variation 3778782 (VCV003778782.2).